The following is an entry in ClinVar:

ClinVar aggregate classification (germline): Benign. Review status: criteria provided, multiple submitters, no conflicts (2 of 4 stars). 2 submissions from 2 submitters: Benign (2). Last evaluated 2018-01-13.

Conditions:
Acrodysostosis 2 with or without hormone resistance. Also called: ACRODYSOSTOSIS 2 WITH HORMONE RESISTANCE; ACRODYSOSTOSIS 2 WITHOUT HORMONE RESISTANCE. Identifiers: Orphanet 280651, MedGen C3553250, MONDO:0013822, OMIM 614613.

Allele frequency attached by ClinVar (database versions not stated): gnomAD exomes 0.01887; 1000 Genomes Project 0.03215; 1000 Genomes Project 30x 0.03342; TOPMed 0.05057.
gnomAD v4.1: 7,570 of 150,238 alleles (5%); highest among the groups gnomAD compares: Non-Finnish European, 7.5%; 266 homozygotes.

Submissions (2):

Illumina Laboratory Services, Illumina
Classification: Benign for Acrodysostosis 2 with or without hormone resistance. Last evaluated: 2018-01-13. Review status: criteria provided, single submitter. Criteria: ICSL Variant Classification Criteria 13 December 2019. Collection method: clinical testing. Allele origin: germline.
Comment: This variant was observed in the ICSL laboratory as part of a predisposition screen in an ostensibly healthy population. It had not been previously curated by ICSL or reported in the Human Gene Mutation Database (HGMD: prior to June 1st, 2018), and was therefore a candidate for classification through an automated scoring system. Utilizing variant allele frequency, disease prevalence and penetrance estimates, and inheritance mode, an automated score was calculated to assess if this variant is too frequent to cause the disease. Based on the score and internal cut-off values, a variant classified as benign is not then subjected to further curation. The score for this variant resulted in a classification of benign for this disease.

Breakthrough Genomics
Classification: Benign. Review status: criteria provided, single submitter. Criteria: ACMG Guidelines, 2015. Collection method: not provided. Allele origin: germline. Inheritance: Autosomal dominant inheritance. Affected: yes.

NM_001104631.2(PDE4D):c.*1251A>G

Gene: PDE4D (phosphodiesterase 4D; minus strand). Cytogenetic location: 5q11.2.
Variant type: single nucleotide variant.
Coding change: c.*1251A>G on transcript NM_001104631.2 (MANE Select); 1251 bases downstream of the stop codon, A replaced by G.
Molecular consequence: 3 prime UTR variant.
Genome position (GRCh38, 1-based): chr5:58,973,413, T>C on the plus strand (A>G on the coding strand, the complement: PDE4D is on the minus strand). VCF-style: chr5-58973413-T-C. GRCh37 (hg19) VCF-style: chr5-58269240-T-C.
Other names: c.*1251A>G (NM_001165899.2, NM_001197218.2, NM_001197219.2 and 11 more transcripts).
Identifiers: ClinVar variation 353968 (VCV000353968.6), dbSNP rs17719258, ClinGen allele CA10620630.
Genomic context (GRCh38, chr5:58,973,413, plus strand): 5'-ATAAGGTTCAGACACACGCTAAATTATAAAGCAGCACAAGGGGAAAAACCTTTTTCTTAC[T>C]ATAACTGGCTGTAAAAACAATAAAAATGAGCATGAAATGTGTGGATTATTAGAGCATGAA-3'